The following is an entry in ClinVar:

NM_012243.3(SLC35A3):c.357A>G (p.Leu119=)

Gene: SLC35A3 (solute carrier family 35 member A3; plus strand). Cytogenetic location: 1p21.2.
Variant type: single nucleotide variant.
Coding change: c.357A>G on transcript NM_012243.3 (MANE Select); coding-DNA position 357, A replaced by G.
Protein change: p.Leu119=; no amino-acid change (leucine 119 retained).
Molecular consequence: synonymous variant.
Genome position (GRCh38, 1-based): chr1:100,007,048, A>G. VCF-style: chr1-100007048-A-G. GRCh37 (hg19) VCF-style: chr1-100472604-A-G.
Other names: p.Leu119=; c.357A>G, p.Leu119= (NM_001271684.2); c.483A>G, p.Leu161= (NM_001271685.2).
Identifiers: ClinVar variation 672148 (VCV000672148.14), dbSNP rs534252, ClinGen allele CA967579.

ClinVar aggregate classification (germline): Benign. Review status: criteria provided, multiple submitters, no conflicts (2 of 4 stars). 6 submissions from 6 submitters: Benign (5). 1 of the submissions does not count toward it. Last evaluated 2026-02-04.

Conditions:
Autism spectrum disorder - epilepsy - arthrogryposis syndrome (AMRS). Identifiers: Orphanet 370943, MedGen C3809910, MONDO:0014248, OMIM 615553.
Arthrogryposis multiplex congenita (AMC). Also called: Congenital multiple arthrogryposis; Fibrous ankylosis of multiple joints; Congenital arthromyodysplasia; Myodystrophia fetalis deformans; Otto syndrome; Rocher-Sheldon syndrome. Identifiers: Orphanet 1037, MedGen C5779613, MeSH D001176, MONDO:0015168, HP:0002804.

Allele frequency attached by ClinVar (database versions not stated): gnomAD exomes 0.14217 and 0.14850; ExAC 0.15785; 1000 Genomes Project 0.20228; gnomAD 0.22875 and 0.22068; TOPMed 0.23081; 1000 Genomes Project 30x 0.21112; ESP Exome Variant Server 0.24812.
gnomAD v4.1: 249,449 of 1,603,884 alleles (16%); highest among the groups gnomAD compares: African/African-American, 44%; 23,288 homozygotes.

Submissions (6):

Labcorp Genetics (formerly Invitae), Labcorp
Classification: Benign for Autism spectrum disorder - epilepsy - arthrogryposis syndrome. Last evaluated: 2026-02-04. Review status: criteria provided, single submitter. Criteria: Invitae Variant Classification Sherloc (09022015). Collection method: clinical testing. Allele origin: germline.

Mayo Clinic Laboratories, Mayo Clinic
Classification: Benign. Last evaluated: 2021-11-04. Review status: criteria provided, single submitter. Criteria: ACMG Guidelines, 2015. Collection method: clinical testing. Allele origin: germline. Observed: 80 variant alleles.

Genome-Nilou Lab
Classification: Benign for Autism spectrum disorder - epilepsy - arthrogryposis syndrome. Last evaluated: 2021-07-08. Review status: criteria provided, single submitter. Criteria: ACMG Guidelines, 2015. Collection method: clinical testing. Allele origin: germline. Affected: no.

GeneDx
Classification: Benign. Last evaluated: 2018-06-14. Review status: criteria provided, single submitter. Criteria: GeneDx Variant Classification (06012015). Collection method: clinical testing. Allele origin: germline. Affected: yes.
Comment: This variant is considered likely benign or benign based on one or more of the following criteria: it is a conservative change, it occurs at a poorly conserved position in the protein, it is predicted to be benign by multiple in silico algorithms, and/or has population frequency not consistent with disease.

Breakthrough Genomics
Classification: Benign. Review status: criteria provided, single submitter. Criteria: ACMG Guidelines, 2015. Collection method: not provided. Allele origin: germline. Inheritance: Autosomal recessive inheritance. Affected: yes.

Natera, Inc.
Classification: Benign for Arthrogryposis. Last evaluated: 2020-06-18. Review status: no assertion criteria provided. Collection method: clinical testing. Allele origin: germline. Not counted in ClinVar's aggregate classification.